The following is an entry in ClinVar:

ClinVar aggregate classification (germline): Likely benign. Review status: criteria provided, single submitter (1 of 4 stars). 2 submissions from 2 submitters: Likely benign (1). 1 of the submissions does not count toward it. Last evaluated 2026-01-23.

Conditions:
DNAJC17-related disorder. Also called: DNAJC17-related condition.

Allele frequency attached by ClinVar (database versions not stated): gnomAD exomes 0.00007 and 0.00015; ExAC 0.00017; ESP Exome Variant Server 0.00046; gnomAD 0.00050 and 0.00052; 1000 Genomes Project 30x 0.00062; 1000 Genomes Project 0.00080.
gnomAD v4.1: 188 of 1,613,974 alleles (0.012%); highest among the groups gnomAD compares: African/African-American, 0.17%; no homozygotes.

Submissions (2):

Labcorp Genetics (formerly Invitae), Labcorp
Classification: Likely benign. Last evaluated: 2026-01-23. Review status: criteria provided, single submitter. Criteria: Invitae Variant Classification Sherloc (09022015). Collection method: clinical testing. Allele origin: germline.

PreventionGenetics, part of Exact Sciences
Classification: Likely benign for DNAJC17-related condition. Last evaluated: 2019-07-30. Review status: no assertion criteria provided. Collection method: clinical testing. Allele origin: germline. Not counted in ClinVar's aggregate classification.
Comment: This variant is classified as likely benign based on ACMG/AMP sequence variant interpretation guidelines (Richards et al. 2015 PMID: 25741868, with internal and published modifications).

NM_018163.3(DNAJC17):c.669C>T (p.Thr223=)

Gene: DNAJC17 (DnaJ heat shock protein family (Hsp40) member C17; minus strand). Cytogenetic location: 15q15.1.
Variant type: single nucleotide variant.
Coding change: c.669C>T on transcript NM_018163.3 (MANE Select); coding-DNA position 669, C replaced by T.
Protein change: p.Thr223=; no amino-acid change (threonine 223 retained).
Molecular consequence: synonymous variant.
Genome position (GRCh38, 1-based): chr15:40,774,368, G>A on the plus strand (C>T on the coding strand, the complement: DNAJC17 is on the minus strand). VCF-style: chr15-40774368-G-A. GRCh37 (hg19) VCF-style: chr15-41066566-G-A.
Other names: c.669C>T (NM_018163.2).
Identifiers: ClinVar variation 1554560 (VCV001554560.10), dbSNP rs148868042, ClinGen allele CA7485060.